The following is an entry in ClinVar:

ClinVar aggregate classification (germline): Uncertain significance (1 of 4 stars; one submission).

Conditions:
Combined oxidative phosphorylation defect type 17. Also called: Combined oxidative phosphorylation deficiency 17. Identifiers: Orphanet 369913, MedGen C3809526, MONDO:0014190, OMIM 615440.

Allele frequency attached by ClinVar (database versions not stated): ExAC 0.00001; gnomAD exomes 0.00001; TOPMed 0.00001; gnomAD 0.00002.
gnomAD v4.1: 24 of 1,613,866 alleles (0.0015%); highest among the groups gnomAD compares: African/African-American, 0.0027%; no homozygotes.

Submission:

Labcorp Genetics (formerly Invitae), Labcorp
Classification: Uncertain significance for Combined oxidative phosphorylation defect type 17. Last evaluated: 2022-08-23. Review status: criteria provided, single submitter. Criteria: Invitae Variant Classification Sherloc (09022015). Collection method: clinical testing. Allele origin: germline.
Comment: This variant has not been reported in the literature in individuals affected with ELAC2-related conditions. This sequence change replaces glycine, which is neutral and non-polar, with aspartic acid, which is acidic and polar, at codon 227 of the ELAC2 protein (p.Gly227Asp). This variant is present in population databases (rs746132751, gnomAD 0.002%). ClinVar contains an entry for this variant (Variation ID: 1515750). Algorithms developed to predict the effect of missense changes on protein structure and function (SIFT, PolyPhen-2, Align-GVGD) all suggest that this variant is likely to be tolerated. Algorithms developed to predict the effect of sequence changes on RNA splicing suggest that this variant may disrupt the consensus splice site. In summary, the available evidence is currently insufficient to determine the role of this variant in disease. Therefore, it has been classified as a Variant of Uncertain Significance.

NM_018127.7(ELAC2):c.680G>A (p.Gly227Asp)

Gene: ELAC2 (elaC ribonuclease Z 2; minus strand). Cytogenetic location: 17p12.
Variant type: single nucleotide variant.
Coding change: c.680G>A on transcript NM_018127.7 (MANE Select); coding-DNA position 680, G replaced by A.
Protein change: p.Gly227Asp; replaces glycine 227 with aspartic acid.
Molecular consequence: missense variant.
Genome position (GRCh38, 1-based): chr17:13,010,671, C>T on the plus strand (G>A on the coding strand, the complement: ELAC2 is on the minus strand). VCF-style: chr17-13010671-C-T. GRCh37 (hg19) VCF-style: chr17-12913988-C-T.
Other names: c.560G>A, p.Ser187Asn (NM_001165962.2); c.680G>A, p.Gly227Asp (NM_173717.2); short protein forms S187N, G227D.
Identifiers: ClinVar variation 1515750 (VCV001515750.6), dbSNP rs746132751, ClinGen allele CA8401549.